The following is an entry in ClinVar:

NM_000143.4(FH):c.613G>A (p.Glu205Lys)

Gene: FH (fumarate hydratase; minus strand). Cytogenetic location: 1q43.
Variant type: single nucleotide variant.
Coding change: c.613G>A on transcript NM_000143.4 (MANE Select); coding-DNA position 613, G replaced by A.
Protein change: p.Glu205Lys; replaces glutamic acid 205 with lysine.
Molecular consequence: missense variant.
Genome position (GRCh38, 1-based): chr1:241,508,728, C>T on the plus strand (G>A on the coding strand, the complement: FH is on the minus strand). VCF-style: chr1-241508728-C-T. GRCh37 (hg19) VCF-style: chr1-241672028-C-T.
Other names: short protein forms E205K.
Identifiers: ClinVar variation 3230454 (VCV003230454.1), dbSNP rs2527327444, ClinGen allele CA345439391.

ClinVar aggregate classification (germline): Uncertain significance (1 of 4 stars; one submission).

Conditions:
Hereditary cancer-predisposing syndrome. Also called: Neoplastic Syndromes, Hereditary; Tumor predisposition; Hereditary neoplastic syndrome; Hereditary Cancer Syndrome. Identifiers: Orphanet 140162, MedGen C0027672, MeSH D009386, MONDO:0015356.

Submission:

Ambry Genetics
Classification: Uncertain significance for Hereditary cancer-predisposing syndrome. Last evaluated: 2023-11-16. Review status: criteria provided, single submitter. Criteria: Ambry Variant Classification Scheme 2023. Collection method: clinical testing. Allele origin: germline.
Comment: The p.E205K variant (also known as c.613G>A), located in coding exon 5 of the FH gene, results from a G to A substitution at nucleotide position 613. The glutamic acid at codon 205 is replaced by lysine, an amino acid with similar properties. This amino acid position is conserved. In addition, the in silico prediction for this alteration is inconclusive. Since supporting evidence is limited at this time, the clinical significance of this alteration remains unclear.